The following is an entry in ClinVar:

NM_001378454.1(ALMS1):c.11854A>G (p.Lys3952Glu)

Gene: ALMS1 (ALMS1 centrosome and basal body associated protein; plus strand). Cytogenetic location: 2p13.1.
Variant type: single nucleotide variant.
Coding change: c.11854A>G on transcript NM_001378454.1 (MANE Select); coding-DNA position 11854, A replaced by G.
Protein change: p.Lys3952Glu; replaces lysine 3952 with glutamic acid.
Molecular consequence: missense variant.
Genome position (GRCh38, 1-based): chr2:73,600,863, A>G. VCF-style: chr2-73600863-A-G. GRCh37 (hg19) VCF-style: chr2-73827990-A-G.
Other names: c.11857A>G, p.Lys3953Glu (NM_015120.4); short protein forms K3953E, K3952E.
Identifiers: ClinVar variation 652231 (VCV000652231.13), dbSNP rs771282076, ClinGen allele CA1715342.

ClinVar aggregate classification (germline): Uncertain significance. Review status: criteria provided, multiple submitters, no conflicts (2 of 4 stars). 5 submissions from 5 submitters: Uncertain significance (4). 1 of the submissions does not count toward it. Last evaluated 2025-06-26.

Conditions:
Cardiovascular phenotype. Identifiers: MedGen CN230736.
Alstrom syndrome (ALMS). Identifiers: Orphanet 64, MedGen C0268425, MONDO:0008763, OMIM 203800.

Allele frequency attached by ClinVar (database versions not stated): ExAC 0.00001; gnomAD exomes 0.00001; TOPMed 0.00002; gnomAD 0.00003.
gnomAD v4.1: 19 of 1,613,864 alleles (0.0012%); highest among the groups gnomAD compares: African/African-American, 0.004%; no homozygotes.

Submissions (5):

GeneDx
Classification: Uncertain significance. Last evaluated: 2025-06-26. Review status: criteria provided, single submitter. Criteria: GeneDx Variant Classification Process June 2021. Collection method: clinical testing. Allele origin: germline. Affected: yes.
Comment: Not observed at significant frequency in large population cohorts (gnomAD); In silico analysis suggests that this missense variant does not alter protein structure/function; Has not been previously published as pathogenic or benign to our knowledge

Ambry Genetics
Classification: Uncertain significance for Cardiovascular phenotype. Last evaluated: 2025-05-28. Review status: criteria provided, single submitter. Criteria: Ambry Variant Classification Scheme 2023. Collection method: clinical testing. Allele origin: germline.
Comment: The p.K3953E variant (also known as c.11857A>G), located in coding exon 18 of the ALMS1 gene, results from an A to G substitution at nucleotide position 11857. The lysine at codon 3953 is replaced by glutamic acid, an amino acid with similar properties. This amino acid position is well conserved in available vertebrate species. In addition, this alteration is predicted to be tolerated by in silico analysis. Based on the available evidence, the clinical significance of this variant remains unclear.

Labcorp Genetics (formerly Invitae), Labcorp
Classification: Uncertain significance for Alstrom syndrome. Last evaluated: 2023-11-27. Review status: criteria provided, single submitter. Criteria: Invitae Variant Classification Sherloc (09022015). Collection method: clinical testing. Allele origin: germline.
Comment: This sequence change replaces lysine, which is basic and polar, with glutamic acid, which is acidic and polar, at codon 3953 of the ALMS1 protein (p.Lys3953Glu). This variant is present in population databases (rs771282076, gnomAD 0.002%). This variant has not been reported in the literature in individuals affected with ALMS1-related conditions. ClinVar contains an entry for this variant (Variation ID: 652231). Experimental studies and prediction algorithms are not available or were not evaluated, and the functional significance of this variant is currently unknown. In summary, the available evidence is currently insufficient to determine the role of this variant in disease. Therefore, it has been classified as a Variant of Uncertain Significance.

Fulgent Genetics
Classification: Uncertain significance for Alstrom syndrome. Last evaluated: 2022-02-07. Review status: criteria provided, single submitter. Criteria: ACMG Guidelines, 2015. Collection method: clinical testing. Allele origin: unknown.

Natera, Inc.
Classification: Uncertain significance for Alstrom syndrome. Last evaluated: 2020-07-15. Review status: no assertion criteria provided. Collection method: clinical testing. Allele origin: germline. Not counted in ClinVar's aggregate classification.